The following is an entry in ClinVar:

NM_005378.6(MYCN):c.523_531del (p.Leu175_Ala177del)

Gene: MYCN (MYCN proto-oncogene, bHLH transcription factor; plus strand). Cytogenetic location: 2p24.3.
Variant type: Deletion.
Coding change: c.523_531del on transcript NM_005378.6 (MANE Select); coding-DNA positions 523 to 531, 9 bases deleted (CTGCCCGCC; older notation c.523_531delCTGCCCGCC).
Protein change: p.Leu175_Ala177del.
Molecular consequence: inframe deletion. On other transcripts: 3 prime UTR variant (1), intron variant (1).
Genome position (GRCh38, 1-based): chr2:15,942,587-15,942,595, CTGCCCGCC deleted; deleting any 9 consecutive bases within chr2:15,942,582-15,942,595 gives the same sequence; the c. name uses the placement nearest the transcript's 3' end. VCF-style (leftmost placement, unchanged base first): chr2-15942581-GCCGCCCTGC-G. GRCh37 (hg19) VCF-style: chr2-16082703-GCCGCCCTGC-G.
Other names: c.523_531del, p.Leu175_Ala177del (NM_001293228.2); c.*458_*466del (NM_001293233.2); c.157+1844_157+1852del (NM_001293231.2).
Identifiers: ClinVar variation 3351251 (VCV003351251.1).

ClinVar aggregate classification (germline): Uncertain significance (0 of 4 stars; one submission).

Conditions:
MYCN-related disorder. Also called: MYCN-related condition.

Submission:

PreventionGenetics, part of Exact Sciences
Classification: Uncertain significance for MYCN-related condition. Last evaluated: 2024-07-18. Review status: no assertion criteria provided. Collection method: clinical testing. Allele origin: germline.
Comment: The MYCN c.523_531del9 variant is predicted to result in an in-frame deletion (p.Leu175_Ala177del). To our knowledge, this variant has not been reported in the literature or in a large population database, indicating this variant is rare. At this time, the clinical significance of this variant is uncertain due to the absence of conclusive functional and genetic evidence.